The following is an entry in ClinVar:

ClinVar aggregate classification (germline): Uncertain significance (1 of 4 stars; one submission).

Conditions:
Familial cancer of breast. Also called: hereditary breast carcinoma; BREAST CANCER, FAMILIAL; Hereditary breast cancer. Identifiers: Orphanet 227535, MedGen C0346153, MONDO:0016419, OMIM 114480. Disease mechanism: loss of function.

Submission:

Labcorp Genetics (formerly Invitae), Labcorp
Classification: Uncertain significance for Familial cancer of breast. Last evaluated: 2021-12-24. Review status: criteria provided, single submitter. Criteria: Invitae Variant Classification Sherloc (09022015). Collection method: clinical testing. Allele origin: germline.
Comment: This variant is not present in population databases (gnomAD no frequency). In summary, the available evidence is currently insufficient to determine the role of this variant in disease. Therefore, it has been classified as a Variant of Uncertain Significance. Experimental studies and prediction algorithms are not available or were not evaluated, and the functional significance of this variant is currently unknown. This variant has not been reported in the literature in individuals affected with CHEK2-related conditions. This variant, c.1342_1356del, results in the deletion of 5 amino acid(s) of the CHEK2 protein (p.Ile448_Trp452del), but otherwise preserves the integrity of the reading frame.

NM_007194.4(CHEK2):c.1342_1356del (p.Ile448_Trp452del)

Gene: CHEK2 (checkpoint kinase 2; minus strand). Cytogenetic location: 22q12.1.
Variant type: Deletion.
Coding change: c.1342_1356del on transcript NM_007194.4 (MANE Select); coding-DNA positions 1342 to 1356, 15 bases deleted (ATTCCTGAAGTCTGG).
Protein change: p.Ile448_Trp452del.
Molecular consequence: inframe deletion. On other transcripts: inframe indel (4).
Genome position (GRCh38, 1-based): chr22:28,695,146-28,695,160, CCAGACTTCAGGAAT deleted on the plus strand (ATTCCTGAAGTCTGG on the coding strand, the reverse complement: CHEK2 is on the minus strand). VCF-style (leftmost placement, unchanged base first): chr22-28695145-CCCAGACTTCAGGAAT-C. GRCh37 (hg19) VCF-style: chr22-29091133-CCCAGACTTCAGGAAT-C.
Other names: c.1471_1485delATTCCTGAAGTCTGG, p.Ile491_Trp495del (NM_001005735.3); c.679_693delATTCCTGAAGTCTGG, p.Ile227_Trp231del (NM_001257387.3); c.1141_1155delATTCCTGAAGTCTGG, p.Ile381_Trp385del (NM_001349956.3); c.1255_1269delATTCCTGAAGTCTGG, p.Ile419_Trp423del (NM_145862.3).
Identifiers: ClinVar variation 2057347 (VCV002057347.4), dbSNP rs2517795382, ClinGen allele CA2580099406.